The following is an entry in ClinVar:

ClinVar aggregate classification (germline): Conflicting classifications of pathogenicity. Review status: criteria provided, conflicting classifications (1 of 4 stars). 10 submissions from 10 submitters: Uncertain significance (7); Likely benign (2). 1 of the submissions does not count toward it. Last evaluated 2025-11-24.

Conditions:
ATM-related disorder. Also called: ATM-related disorders; ATM-related condition.
Hereditary cancer-predisposing syndrome. Also called: Neoplastic Syndromes, Hereditary; Tumor predisposition; Hereditary Cancer Syndrome; Hereditary neoplastic syndrome. Identifiers: Orphanet 140162, MedGen C0027672, MeSH D009386, MONDO:0015356.
Familial cancer of breast. Also called: hereditary breast carcinoma; BREAST CANCER, FAMILIAL; Hereditary breast cancer. Identifiers: Orphanet 227535, MedGen C0346153, MONDO:0016419, OMIM 114480. Disease mechanism: loss of function.
Ataxia-telangiectasia syndrome (AT). Also called: LOUIS-BAR SYNDROME; Cerebello-oculocutaneous telangiectasia; Immunodeficiency with ataxia telangiectasia; Ataxia-telangiectasia, complementation group E; Ataxia-telangiectasia, complementation group D; AT, COMPLEMENTATION GROUP C. Identifiers: Orphanet 100, MedGen C0004135, MONDO:0008840, OMIM 208900.

Allele frequency attached by ClinVar (database versions not stated): gnomAD 0.00001; TOPMed 0.00001; ExAC 0.00002; gnomAD exomes 0.00002; ESP Exome Variant Server 0.00008; 1000 Genomes Project 0.00040; 1000 Genomes Project 30x 0.00047.
gnomAD v4.1: 9 of 1,614,068 alleles (0.00056%); highest among the groups gnomAD compares: African/African-American, 0.0067%; no homozygotes.

Submissions (10):

Labcorp Genetics (formerly Invitae), Labcorp
Classification: Likely benign for Ataxia-telangiectasia syndrome. Last evaluated: 2025-11-24. Review status: criteria provided, single submitter. Criteria: Invitae Variant Classification Sherloc (09022015). Collection method: clinical testing. Allele origin: germline.

Mendelics
Classification: Likely benign for Ataxia-telangiectasia syndrome. Last evaluated: 2025-06-23. Review status: criteria provided, single submitter. Criteria: ACMG Guidelines, 2015. Collection method: clinical testing. Allele origin: unknown.
Comment: This variant is considered likely benign or benign based on one or more of the following: it is predicted to be benign by multiple in silico algorithms, and/or has population frequency not consistent with disease, and/or has normal protein function, and/or has lack of segregation with disease, and/or has been detected in co-occurrence with known pathogenic variant, and/or has lack of disease association in case-control studies, and/or is located in a region inconsistent with a known cause of pathogenicity.

PreventionGenetics, part of Exact Sciences
Classification: Uncertain significance for ATM-related condition. Last evaluated: 2025-04-30. Review status: criteria provided, single submitter. Criteria: ACMG Guidelines, 2015. Collection method: clinical testing. Allele origin: germline.
Comment: The ATM c.3240C>A variant is predicted to result in the amino acid substitution p.Asp1080Glu. This variant has been reported with uncertain significance in individuals with breast cancer (Table A1, Tung et al. 2016. PubMed ID: 26976419; Pereira et al. 2022. PubMed ID: 35980532). This variant is reported in 0.025% of alleles in individuals of African descent in gnomAD and has conflicting interpretations regarding its pathogenicity in ClinVar, ranging from likely benign to uncertain. At this time, the clinical significance of this variant is uncertain due to the absence of conclusive functional and genetic evidence.

Color Diagnostics, LLC DBA Color Health
Classification: Uncertain significance for Hereditary cancer-predisposing syndrome. Last evaluated: 2024-02-20. Review status: criteria provided, single submitter. Criteria: ACMG Guidelines, 2015. Collection method: clinical testing. Allele origin: germline.
Comment: This missense variant replaces aspartic acid with glutamic acid at codon 1080 of the ATM protein. Computational prediction is inconclusive regarding the impact of this variant on protein structure and function. To our knowledge, functional studies have not been reported for this variant. This variant has been reported in an individual affected with breast cancer (PMID: 26976419). This variant has been identified in 6/251264 chromosomes in the general population by the Genome Aggregation Database (gnomAD). The available evidence is insufficient to determine the role of this variant in disease conclusively. Therefore, this variant is classified as a Variant of Uncertain Significance.

Ambry Genetics
Classification: Uncertain significance for Hereditary cancer-predisposing syndrome. Last evaluated: 2023-12-27. Review status: criteria provided, single submitter. Criteria: Ambry Variant Classification Scheme 2023. Collection method: clinical testing. Allele origin: germline.
Comment: The p.D1080E variant (also known as c.3240C>A), located in coding exon 21 of the ATM gene, results from a C to A substitution at nucleotide position 3240. The aspartic acid at codon 1080 is replaced by glutamic acid, an amino acid with highly similar properties. This alteration has also been reported in a cohort of 488 patients with stages I to III breast cancer who were tested with a 25-gene panel test (Tung N et al. J. Clin. Oncol., 2016 May;34:1460-8). This amino acid position is highly conserved in available vertebrate species. In addition, this alteration is predicted to be deleterious by in silico analysis. Since supporting evidence is limited at this time, the clinical significance of this alteration remains unclear.

Baylor Genetics
Classification: Uncertain significance for Familial cancer of breast. Last evaluated: 2023-03-21. Review status: criteria provided, single submitter. Criteria: ACMG Guidelines, 2015. Collection method: clinical testing. Allele origin: unknown.

Women's Health and Genetics/Laboratory Corporation of America, LabCorp
Classification: Uncertain significance. Last evaluated: 2021-03-21. Review status: criteria provided, single submitter. Criteria: LabCorp Variant Classification Summary - May 2015. Collection method: clinical testing. Allele origin: germline.
Comment: Variant summary: ATM c.3240C>A (p.Asp1080Glu) results in a conservative amino acid change in the encoded protein sequence. Three of five in-silico tools predict a benign effect of the variant on protein function. The variant allele was found at a frequency of 2.4e-05 in 251264 control chromosomes. The available data on variant occurrences in the general population are insufficient to allow any conclusion about variant significance. These report(s) do not provide unequivocal conclusions about association of the variant with Breast Cancer/Ataxia Telangiectasia. To our knowledge, no experimental evidence demonstrating an impact on protein function has been reported. Six clinical diagnostic laboratories have submitted clinical-significance assessments for this variant to ClinVar after 2014 without evidence for independent evaluation. All laboratories classified the variant as uncertain significance. Based on the evidence outlined above, the variant was classified as uncertain significance.

Blueprint Genetics
Classification: Uncertain significance. Last evaluated: 2020-09-29. Review status: criteria provided, single submitter. Criteria: ACMG Guidelines, 2015. Collection method: clinical testing. Allele origin: germline.

GeneDx
Classification: Uncertain significance. Last evaluated: 2018-01-15. Review status: criteria provided, single submitter. Criteria: GeneDx Variant Classification (06012015). Collection method: clinical testing. Allele origin: germline. Affected: yes.
Comment: This variant is denoted ATM c.3240C>A at the cDNA level, p.Asp1080Glu (D1080E) at the protein level, and results in the change of an Aspartic Acid to a Glutamic Acid (GAC>GAA). This variant has been observed in at least one patient with breast cancer as well as in an individual with concurrent acute megakaryoblastic leukemia and a mediastinal germ cell tumor, and was absent from 400 control samples (Oshrine 2014, Tung 2016). ATM Asp1080Glu was observed at an allele frequency of 0.026% (4/15,300) in individuals of African ancestry in large population cohorts (Lek 2016). This variant is located within the region of interaction with beta-adaptin (Tavtigian 2009). In-silico analysis, which includes protein predictors and evolutionary conservation, supports a deleterious effect. Based on currently available evidence, it is unclear whether ATM Asp1080Glu is a pathogenic or benign variant. We consider it to be a variant of uncertain significance.

Natera, Inc.
Classification: Uncertain significance for Ataxia-telangiectasia. Last evaluated: 2020-09-16. Review status: no assertion criteria provided. Collection method: clinical testing. Allele origin: germline. Not counted in ClinVar's aggregate classification.

Literature cited by the submitters: PubMed 26976419 (cited by 3 submitters); PubMed 24831771 (cited by Ambry Genetics and Women's Health and Genetics/Laboratory Corporation of America, LabCorp); PubMed 31422574 (cited by Women's Health and Genetics/Laboratory Corporation of America, LabCorp).

NM_000051.4(ATM):c.3240C>A (p.Asp1080Glu)

Gene: ATM (ATM serine/threonine kinase; plus strand). Cytogenetic location: 11q22.3.
Variant type: single nucleotide variant.
Coding change: c.3240C>A on transcript NM_000051.4 (MANE Select); coding-DNA position 3240, C replaced by A.
Protein change: p.Asp1080Glu; replaces aspartic acid 1080 with glutamic acid.
Molecular consequence: missense variant.
Genome position (GRCh38, 1-based): chr11:108,272,808, C>A. VCF-style: chr11-108272808-C-A. GRCh37 (hg19) VCF-style: chr11-108143535-C-A.
Other names: c.3240C>A, p.Asp1080Glu (NM_001351834.2); short protein forms D1080E.
Identifiers: ClinVar variation 407683 (VCV000407683.29), dbSNP rs149911447, ClinGen allele CA6265231.